The following is an entry in ClinVar:

NM_181836.6(TMED7):c.245G>A (p.Gly82Asp)

Genes: TMED7 (transmembrane p24 trafficking protein 7; minus strand), TMED7-TICAM2 (TMED7-TICAM2 readthrough; minus strand). Cytogenetic location: 5q22.3.
Variant type: single nucleotide variant.
Coding change: c.245G>A on transcript NM_181836.6 (MANE Select); coding-DNA position 245, G replaced by A.
Protein change: p.Gly82Asp; replaces glycine 82 with aspartic acid.
Molecular consequence: missense variant.
Genome position (GRCh38, 1-based): chr5:115,620,628, C>T on the plus strand (G>A on the coding strand, the complement: TMED7 is on the minus strand). VCF-style: chr5-115620628-C-T. GRCh37 (hg19) VCF-style: chr5-114956325-C-T.
Other names: c.245G>A, p.Gly82Asp (NM_001164468.4, NM_001164469.4); short protein forms G82D.
Identifiers: ClinVar variation 1895933 (VCV001895933.5), dbSNP rs755492811, ClinGen allele CA3375195.

ClinVar aggregate classification (germline): Uncertain significance (1 of 4 stars; one submission).

Allele frequency attached by ClinVar (database versions not stated): gnomAD exomes 0.00001; ExAC 0.00003.

Submission:

Labcorp Genetics (formerly Invitae), Labcorp
Classification: Uncertain significance. Last evaluated: 2021-11-30. Review status: criteria provided, single submitter. Criteria: Invitae Variant Classification Sherloc (09022015). Collection method: clinical testing. Allele origin: germline.
Comment: This sequence change replaces glycine, which is neutral and non-polar, with aspartic acid, which is acidic and polar, at codon 82 of the TMED7 protein (p.Gly82Asp). This variant is present in population databases (rs755492811, gnomAD 0.02%). This variant has not been reported in the literature in individuals affected with TMED7-related conditions. Algorithms developed to predict the effect of missense changes on protein structure and function (SIFT, PolyPhen-2, Align-GVGD) all suggest that this variant is likely to be disruptive. In summary, the available evidence is currently insufficient to determine the role of this variant in disease. Therefore, it has been classified as a Variant of Uncertain Significance.